The following is an entry in ClinVar:

ClinVar aggregate classification (germline): Pathogenic/Likely pathogenic. Review status: criteria provided, multiple submitters, no conflicts (2 of 4 stars). 10 submissions from 10 submitters: Pathogenic (5); Likely pathogenic (5). Last evaluated 2026-05-27.

Conditions:
KCNQ1-related disorder. Also called: KCNQ1-related disorders; KCNQ1-related condition. Identifiers: MedGen CN239322.
Cardiovascular phenotype. Identifiers: MedGen CN230736.
Long QT syndrome (LQTS). Identifiers: MedGen C0023976, MeSH D008133, MONDO:0002442. Disease mechanism: loss of function. Inheritance: Various modes of inheritance.
Long QT syndrome 1 (LQT1). Identifiers: Orphanet 101016, Orphanet 768, MedGen C4551647, MONDO:0100316, OMIM 192500, MONDO:0008646.

Allele frequency attached by ClinVar (database versions not stated): TOPMed below 0.00001.
gnomAD v4.1: 4 of 1,614,038 alleles (0.00025%); highest among the groups gnomAD compares: South Asian, 0.0033%; no homozygotes.

Submissions (10):

Ambry Genetics
Classification: Likely pathogenic for Cardiovascular phenotype. Last evaluated: 2026-05-27. Review status: criteria provided, single submitter. Criteria: Ambry Variant Classification Scheme 2023. Collection method: clinical testing. Allele origin: germline.
Comment: The c.1686-2A>G intronic variant results from an A to G substitution two nucleotides before coding exon 14 in the KCNQ1 gene. This variant occurs at the 3' terminus of the gene, is not expected to trigger nonsense-mediated mRNA decay, and impacts the last 17% of the protein. The exact functional effect of this variant is unknown; however, the region predicted to be impacted is critical for protein function (Ambry internal data). This variant was reported in individual(s) with features consistent with long QT syndrome (Vyas B et al. Am. J. Med. Genet. A, 2016 Jun;170:1510-9; Ambry internal data). This variant is considered to be rare based on population cohorts in the Genome Aggregation Database (gnomAD). This nucleotide position is highly conserved in available vertebrate species. In silico splice site analysis predicts that this alteration will weaken the native splice acceptor site. Based on the majority of available evidence to date, this variant is likely to be pathogenic.

North West Genomic Laboratory Hub, Manchester University NHS Foundation Trust
Classification: Pathogenic for Long QT syndrome. Last evaluated: 2026-01-20. Review status: criteria provided, single submitter. Criteria: ACGS Best Practice Guidelines for Variant Classification in Rare Disease 2024. Collection method: clinical testing. Allele origin: germline. Affected: yes.
Comment: PVS1_VStr PM2_Mod PM3_Supp

Clinical Genetics Laboratory, Skane University Hospital Lund
Classification: Pathogenic for Long QT syndrome. Last evaluated: 2025-10-17. Review status: criteria provided, single submitter. Criteria: ACMG Guidelines, 2015. Collection method: clinical testing. Allele origin: germline. Affected: yes.
Comment: Criteria applied according to the "ClinGen Potassium Channel Arrhythmia Expert Panel Specifications to the ACMG/AMP Variant Interpretation Guidelines for KCNQ1 Version 1.0.0, ": PVS1, PS4_Supporting, PP4.

GeneDx
Classification: Pathogenic. Last evaluated: 2024-12-11. Review status: criteria provided, single submitter. Criteria: GeneDx Variant Classification Process June 2021. Collection method: clinical testing. Allele origin: germline.
Comment: Canonical splice site variant predicted to result in a null allele in a gene for which loss of function is a known mechanism of disease; Not observed at significant frequency in large population cohorts (gnomAD); This variant is associated with the following publications: (PMID: 34319147, 27485560, 27041150)

Blueprint Genetics
Classification: Likely pathogenic for KCNQ1-related disorders. Last evaluated: 2024-10-23. Review status: criteria provided, single submitter. Criteria: ACMG Guidelines, 2015. Collection method: clinical testing. Allele origin: germline. Affected: yes. Observed: 5 variant alleles.

Women's Health and Genetics/Laboratory Corporation of America, LabCorp
Classification: Likely pathogenic for Long QT syndrome. Last evaluated: 2024-05-16. Review status: criteria provided, single submitter. Criteria: LabCorp Variant Classification Summary - May 2015. Collection method: clinical testing. Allele origin: germline.
Comment: Variant summary: KCNQ1 c.1686-2A>G is located in a canonical splice-site and is predicted to affect mRNA splicing resulting in a significantly altered protein due to either exon skipping, shortening, or inclusion of intronic material. Several computational tools predict a significant impact on normal splicing: Four predict the variant abolishes a canonical 3' acceptor site. However, these predictions have yet to be confirmed by functional studies. The variant was absent in 251050 control chromosomes (gnomAD). c.1686-2A>G has been reported in the literature in individuals affected with Autosomal Recessive RomanoWard Syndrome or Long QT Syndrome (Vyas_2016, Choi_2021). These data indicate that the variant may be associated with disease. To our knowledge, no experimental evidence demonstrating an impact on protein function has been reported. The following publications have been ascertained in the context of this evaluation (PMID: 27041150, 34319147). ClinVar contains an entry for this variant (Variation ID: 207973). Based on the evidence outlined above, the variant was classified as likely pathogenic.

Labcorp Genetics (formerly Invitae), Labcorp
Classification: Likely pathogenic for Long QT syndrome. Last evaluated: 2021-05-17. Review status: criteria provided, single submitter. Criteria: Invitae Variant Classification Sherloc (09022015). Collection method: clinical testing. Allele origin: germline.
Comment: Algorithms developed to predict the effect of sequence changes on mRNA splicing suggest that this variant may alter RNA splicing, but this prediction has not been confirmed by published transcriptional studies. In summary, donor and acceptor splice site variants are typically truncating (PMID: 16199547), and truncating variants in KCNQ1 are known to be pathogenic (PMID: 19862833). However, without additional functional and/or genetic data, this variant has been classified as Likely Pathogenic. This variant has been reported in the literature in a individual affected with a recessive form of long QT syndrome (PMID: 27041150). ClinVar contains an entry for this variant (Variation ID: 207973). This variant is not present in population databases (ExAC no frequency). This sequence change affects an acceptor splice site in intron 13 of the KCNQ1 gene. It is expected to disrupt RNA splicing and likely results in an absent or disrupted protein product.

Stanford Center for Inherited Cardiovascular Disease, Stanford University
Classification: Pathogenic. Last evaluated: 2017-03-09. Review status: criteria provided, single submitter. Criteria: ACMG Guidelines, 2015. Collection method: provider interpretation. Allele origin: germline.

Arcensus
Classification: Likely pathogenic for Long QT syndrome 1. Last evaluated: 2013-02-01. Review status: criteria provided, single submitter. Criteria: ACMG Guidelines, 2015. Collection method: clinical testing. Allele origin: germline. Affected: yes.

Institute of Medical Genetics and Genomics, Sir Ganga Ram Hospital
Classification: Pathogenic for Long QT syndrome, LQT1 subtype. Last evaluated: 2011-01-01. Review status: criteria provided, single submitter. Criteria: Vyas et al. (Am J Med Genet A. 2016). Collection method: research. Allele origin: germline. Affected: yes. Observed: 1 variant allele. Study: Life Threatening Long QT Syndromes.

Literature cited by the submitters: PubMed 27041150 (cited by 3 submitters); PubMed 34319147 (cited by Women's Health and Genetics/Laboratory Corporation of America, LabCorp); PubMed 16199547 (cited by Labcorp Genetics (formerly Invitae), Labcorp); PubMed 19862833 (cited by Labcorp Genetics (formerly Invitae), Labcorp).

NM_000218.3(KCNQ1):c.1686-2A>G

Gene: KCNQ1 (potassium voltage-gated channel subfamily Q member 1; plus strand). Cytogenetic location: 11p15.5.
Variant type: single nucleotide variant.
Coding change: c.1686-2A>G on transcript NM_000218.3 (MANE Select); the canonical splice acceptor site of the intron before coding-DNA position 1686, A replaced by G.
Molecular consequence: splice acceptor variant.
Genome position (GRCh38, 1-based): chr11:2,776,984, A>G. VCF-style: chr11-2776984-A-G. GRCh37 (hg19) VCF-style: chr11-2798214-A-G.
Other names: c.1416-2A>G (NM_001406837.1); c.1590-2A>G (NM_001406836.1); c.1146-2A>G (NM_001406838.1); c.1305-2A>G (NM_181798.2).
Identifiers: ClinVar variation 207973 (VCV000207973.47), dbSNP rs878854350, ClinGen allele CA10575754.